The following is an entry in ClinVar:

ClinVar aggregate classification (germline): Likely pathogenic (1 of 4 stars; one submission).

Conditions:
Autosomal recessive limb-girdle muscular dystrophy type 2D (LGMDR3). Also called: MUSCULAR DYSTROPHY, LIMB-GIRDLE, AUTOSOMAL RECESSIVE 3; DUCHENNE-LIKE AUTOSOMAL RECESSIVE MUSCULAR DYSTROPHY, TYPE 2; ADHALINOPATHY, PRIMARY. Identifiers: Orphanet 62, MedGen C2936332, MONDO:0011968, OMIM 608099. Disease mechanism: Affects gamma-sarcoglycan and also disrupts the integrity of the entire sarcoglycan complex..

Allele frequency attached by ClinVar (database versions not stated): gnomAD exomes 0.00001.
gnomAD v4.1: 3 of 1,613,826 alleles (0.00019%); highest among the groups gnomAD compares: South Asian, 0.0033%; no homozygotes.

Submission:

Labcorp Genetics (formerly Invitae), Labcorp
Classification: Likely pathogenic for Autosomal recessive limb-girdle muscular dystrophy type 2D. Last evaluated: 2021-10-16. Review status: criteria provided, single submitter. Criteria: Invitae Variant Classification Sherloc (09022015). Collection method: clinical testing. Allele origin: germline.
Comment: In summary, the currently available evidence indicates that the variant is pathogenic, but additional data are needed to prove that conclusively. Therefore, this variant has been classified as Likely Pathogenic. This variant disrupts the p.Gly201 amino acid residue in SGCA. Other variant(s) that disrupt this residue have been determined to be pathogenic (PMID: 31066050). This suggests that this residue is clinically significant, and that variants that disrupt this residue are likely to be disease-causing. Advanced modeling of protein sequence and biophysical properties (such as structural, functional, and spatial information, amino acid conservation, physicochemical variation, residue mobility, and thermodynamic stability) performed at Invitae indicates that this missense variant is expected to disrupt SGCA protein function. This variant has not been reported in the literature in individuals affected with SGCA-related conditions. This variant is not present in population databases (gnomAD no frequency). This sequence change replaces glycine, which is neutral and non-polar, with serine, which is neutral and polar, at codon 201 of the SGCA protein (p.Gly201Ser).

Literature cited by the submitters: PubMed 31066050.

NM_000023.4(SGCA):c.601G>A (p.Gly201Ser)

Gene: SGCA (sarcoglycan alpha; plus strand). Cytogenetic location: 17q21.33.
Variant type: single nucleotide variant.
Coding change: c.601G>A on transcript NM_000023.4 (MANE Select); coding-DNA position 601, G replaced by A.
Protein change: p.Gly201Ser; replaces glycine 201 with serine.
Molecular consequence: missense variant. On other transcripts: non-coding transcript variant (1), intron variant (1).
Genome position (GRCh38, 1-based): chr17:50,169,108, G>A. VCF-style: chr17-50169108-G-A. GRCh37 (hg19) VCF-style: chr17-48246469-G-A.
Other names: c.584+536G>A (NM_001135697.3); short protein forms G201S.
Identifiers: ClinVar variation 1507920 (VCV001507920.6), dbSNP rs2144498121, ClinGen allele CA400180368.